The following is an entry in ClinVar:

NM_018685.5(ANLN):c.3158G>A (p.Arg1053His)

Gene: ANLN (anillin, actin binding protein; plus strand). Cytogenetic location: 7p14.2.
Variant type: single nucleotide variant.
Coding change: c.3158G>A on transcript NM_018685.5 (MANE Select); coding-DNA position 3158, G replaced by A.
Protein change: p.Arg1053His; replaces arginine 1053 with histidine.
Molecular consequence: missense variant.
Genome position (GRCh38, 1-based): chr7:36,449,744, G>A. VCF-style: chr7-36449744-G-A. GRCh37 (hg19) VCF-style: chr7-36489353-G-A.
Other names: c.3047G>A, p.Arg1016His (NM_001284301.3); c.3044G>A, p.Arg1015His (NM_001284302.3); short protein forms R1015H, R1016H, R1053H.
Identifiers: ClinVar variation 1805287 (VCV001805287.1), dbSNP rs767666268, ClinGen allele CA4220104.
Genomic context (GRCh38, chr7:36,449,744, plus strand): 5'-ATCTGGCTAATTGTACCAGTCGTCAGATAGAACCAGCCAACAGAGAATTTTGTGCAAGAC[G>A]CAACACTTTTGAATTAATTACTGTCCGACCACAAAGAGAAGATGACCGAGAGACTCTTGT-3'
Protein context (NP_061155.2, residues 1043-1063): EPANREFCAR[Arg1053His]NTFELITVRP

ClinVar aggregate classification (germline): Uncertain significance (1 of 4 stars; one submission).

Conditions:
Focal segmental glomerulosclerosis 8 (FSGS8). Identifiers: Orphanet 656, MedGen C4014993, MONDO:0014462, OMIM 616032.

Allele frequency attached by ClinVar (database versions not stated): gnomAD 0.00001.
gnomAD v4.1: 11 of 1,613,854 alleles (0.00068%); highest among the groups gnomAD compares: Non-Finnish European, 0.00076%; no homozygotes.

Submission:

Victorian Clinical Genetics Services, Murdoch Childrens Research Institute
Classification: Uncertain significance for Focal segmental glomerulosclerosis 8. Last evaluated: 2020-06-11. Review status: criteria provided, single submitter. Criteria: ACMG Guidelines, 2015. Collection method: clinical testing. Allele origin: germline. Inheritance: Autosomal dominant inheritance.
Comment: Based on the classification scheme VCGS_Germline_v1.1.1, this variant is classified as 3C-VUS. Following criteria are met: 0102 - Loss-of-function is likely a known mechanism of disease for this gene. (N) 0107 - This gene is known to be associated with autosomal dominant disease. (N) 0200 - Variant is predicted to result in a missense amino acid change from arginine to histidine (exon 23). (N) 0251 - Variant is heterozygous. (N) 0302 - Variant is present in gnomAD <0.001 for a dominant condition (3 heterozygotes, 0 homozygotes). (P) 0309 - Multiple alternative amino acid changes at the same position have been observed in gnomAD (highest allele count: 3 heterozygotes, 0 homozygotes). (N) 0502 - Missense variant with conflicting in silico predictions and/or uninformative conservation. (N) 0600 - Variant is located in an annotated domain or motif (PH anillin domain; NCBI, PDB, Decipher). (N) 0705 - No comparable variants have previous evidence for pathogenicity. (N) 0807 - Variant has not previously been reported in a clinical context. (N) 0905 - No segregation evidence has been identified for this variant. (N) 1007 - No published functional evidence has been identified for this variant. (N) 1208 - Inheritance information for this variant is not currently available. (N) Legend: (P) - Pathogenic, (N) - Neutral, (B) - Benign